The following is an entry in ClinVar:

NM_003482.4(KMT2D):c.6349C>T (p.Pro2117Ser)

Gene: KMT2D (lysine methyltransferase 2D; minus strand). Cytogenetic location: 12q13.12.
Variant type: single nucleotide variant.
Coding change: c.6349C>T on transcript NM_003482.4 (MANE Select); coding-DNA position 6349, C replaced by T.
Protein change: p.Pro2117Ser; replaces proline 2117 with serine.
Molecular consequence: missense variant.
Genome position (GRCh38, 1-based): chr12:49,041,421, G>A on the plus strand (C>T on the coding strand, the complement: KMT2D is on the minus strand). VCF-style: chr12-49041421-G-A. GRCh37 (hg19) VCF-style: chr12-49435204-G-A.
Other names: c.6349C>T (NM_003482.3); short protein forms P2117S.
Identifiers: ClinVar variation 196693 (VCV000196693.13), dbSNP rs758476128, ClinGen allele CA202518.

ClinVar aggregate classification (germline): Conflicting classifications of pathogenicity. Review status: criteria provided, conflicting classifications (1 of 4 stars). 3 submissions from 3 submitters: Uncertain significance (1); Likely benign (2). Last evaluated 2026-06-30.

Conditions:
KMT2D-related disorder. Also called: KMT2D-Related Disorders.
Kabuki syndrome. Also called: Kabuki make-up syndrome; NIIKAWA-KUROKI SYNDROME. Identifiers: Orphanet 2322, MedGen C0796004, MONDO:0016512.

Allele frequency attached by ClinVar (database versions not stated): ExAC 0.00001; gnomAD 0.00001; gnomAD exomes 0.00001; TOPMed 0.00001.
gnomAD v4.1: 13 of 1,605,858 alleles (0.00081%); highest among the groups gnomAD compares: East Asian, 0.0022%; no homozygotes.

Submissions (3):

PreventionGenetics, part of Exact Sciences
Classification: Uncertain significance for KMT2D-related condition. Last evaluated: 2026-06-30. Review status: criteria provided, single submitter. Criteria: ACMG Guidelines, 2015. Collection method: clinical testing. Allele origin: germline.
Comment: The KMT2D c.6349C>T variant is predicted to result in the amino acid substitution p.Pro2117Ser. To our knowledge, this variant has not been reported in the literature. This variant is reported in 0.0056% of alleles in individuals of East Asian descent in gnomAD. Although we suspect that this variant may be benign, at this time, the clinical significance of this variant is uncertain due to the absence of conclusive functional and genetic evidence.

Labcorp Genetics (formerly Invitae), Labcorp
Classification: Likely benign for Kabuki syndrome. Last evaluated: 2024-09-11. Review status: criteria provided, single submitter. Criteria: Invitae Variant Classification Sherloc (09022015). Collection method: clinical testing. Allele origin: germline.

Eurofins Ntd Llc (ga)
Classification: Likely benign. Last evaluated: 2014-10-15. Review status: criteria provided, single submitter. Criteria: EGL Classification Definitions 2015. Collection method: clinical testing. Allele origin: germline. Observed: 2 variant alleles, 2 heterozygotes.